The following is an entry in ClinVar:

ClinVar aggregate classification (germline): Pathogenic (1 of 4 stars; one submission).

Submission:

Labcorp Genetics (formerly Invitae), Labcorp
Classification: Pathogenic. Last evaluated: 2022-03-28. Review status: criteria provided, single submitter. Criteria: Invitae Variant Classification Sherloc (09022015). Collection method: clinical testing. Allele origin: germline.
Comment: For these reasons, this variant has been classified as Pathogenic. This sequence change creates a premature translational stop signal (p.Asp1163Argfs*40) in the USH2A gene. It is expected to result in an absent or disrupted protein product. Loss-of-function variants in USH2A are known to be pathogenic (PMID: 10729113, 10909849, 20507924, 25649381). This variant is not present in population databases (gnomAD no frequency). This variant has not been reported in the literature in individuals affected with USH2A-related conditions.

Literature cited by the submitters: PubMed 10729113; PubMed 10909849; PubMed 20507924; PubMed 25649381.

NM_206933.4(USH2A):c.3486dup (p.Asp1163fs)

Genes: USH2A (usherin; minus strand), USH2A-AS1 (USH2A antisense RNA 1; plus strand). Cytogenetic location: 1q41.
Variant type: Duplication.
Coding change: c.3486dup on transcript NM_206933.4 (MANE Select); coding-DNA position 3486, one base duplicated (A; older notation c.3486dupA).
Protein change: p.Asp1163fs; shifts the reading frame from aspartic acid 1163.
Molecular consequence: frameshift variant.
Genome position (GRCh38, 1-based): chr1:216,199,952, T duplicated on the plus strand (A on the coding strand, the reverse complement: USH2A is on the minus strand). VCF-style (leftmost placement, unchanged base first): chr1-216199951-C-CT. GRCh37 (hg19) VCF-style: chr1-216373293-C-CT.
Other names: c.3486dup, p.Asp1163fs (NM_007123.6); short protein forms D1163fs.
Identifiers: ClinVar variation 2119029 (VCV002119029.4), dbSNP rs2528046708, ClinGen allele CA2580062159.